The following is an entry in ClinVar:

NM_144596.4(TTC8):c.4A>G (p.Ser2Gly)

Gene: TTC8 (tetratricopeptide repeat domain 8; plus strand). Cytogenetic location: 14q31.3.
Variant type: single nucleotide variant.
Coding change: c.4A>G on transcript NM_144596.4 (MANE Select); coding-DNA position 4, A replaced by G.
Protein change: p.Ser2Gly; replaces serine 2 with glycine.
Molecular consequence: missense variant. On other transcripts: 5 prime UTR variant (2), non-coding transcript variant (1).
Genome position (GRCh38, 1-based): chr14:88,824,711, A>G. VCF-style: chr14-88824711-A-G. GRCh37 (hg19) VCF-style: chr14-89291055-A-G.
Other names: c.4A>G (NM_198309.2, NM_144596.3); c.4A>G, p.Ser2Gly (NM_001288781.1, NM_001366535.2, NM_001366536.2 and 2 more transcripts); c.-559A>G (NM_001288782.1); c.-654A>G (NM_001288783.1); short protein forms S2G.
Identifiers: ClinVar variation 937310 (VCV000937310.13), dbSNP rs759112760, ClinGen allele CA7302303.

ClinVar aggregate classification (germline): Conflicting classifications of pathogenicity. Review status: criteria provided, conflicting classifications (1 of 4 stars). 5 submissions from 5 submitters: Uncertain significance (2); Likely benign (2). 1 of the submissions does not count toward it. Last evaluated 2024-06-26.

Conditions:
Inborn genetic diseases. Identifiers: MedGen C0950123, MeSH D030342.
Retinitis pigmentosa 51 (RP51). Identifiers: Orphanet 791, MedGen C3150715, MONDO:0013274, OMIM 613464.
Bardet-Biedl syndrome 8 (BBS8). Identifiers: Orphanet 110, MedGen C1859566, MONDO:0014436, OMIM 615985.
TTC8-related disorder. Also called: TTC8-related condition.
Bardet-Biedl syndrome (BBS). Identifiers: Orphanet 110, MedGen C0752166, MONDO:0015229.

Allele frequency attached by ClinVar (database versions not stated): gnomAD exomes 0.00002 and 0.00006; ExAC 0.00004; gnomAD 0.00006 and 0.00007; TOPMed 0.00008.
gnomAD v4.1: 96 of 1,606,940 alleles (0.006%); highest among the groups gnomAD compares: Non-Finnish European, 0.0076%; no homozygotes.

Submissions (5):

Blueprint Genetics
Classification: Likely benign. Last evaluated: 2024-06-26. Review status: criteria provided, single submitter. Criteria: ACMG Guidelines, 2015. Collection method: clinical testing. Allele origin: germline.

Fulgent Genetics
Classification: Uncertain significance for Retinitis pigmentosa 51; Bardet-Biedl syndrome 8. Last evaluated: 2024-01-23. Review status: criteria provided, single submitter. Criteria: ACMG Guidelines, 2015. Collection method: clinical testing. Allele origin: germline.

Labcorp Genetics (formerly Invitae), Labcorp
Classification: Uncertain significance for Bardet-Biedl syndrome. Last evaluated: 2022-08-23. Review status: criteria provided, single submitter. Criteria: Invitae Variant Classification Sherloc (09022015). Collection method: clinical testing. Allele origin: germline.
Comment: This sequence change replaces serine, which is neutral and polar, with glycine, which is neutral and non-polar, at codon 2 of the TTC8 protein (p.Ser2Gly). This variant is present in population databases (rs759112760, gnomAD 0.006%). This variant has not been reported in the literature in individuals affected with TTC8-related conditions. ClinVar contains an entry for this variant (Variation ID: 937310). Algorithms developed to predict the effect of missense changes on protein structure and function output the following: SIFT: "Tolerated"; PolyPhen-2: "Benign"; Align-GVGD: "Class C0". The glycine amino acid residue is found in multiple mammalian species, which suggests that this missense change does not adversely affect protein function. In summary, the available evidence is currently insufficient to determine the role of this variant in disease. Therefore, it has been classified as a Variant of Uncertain Significance.

Ambry Genetics
Classification: Likely benign for Inborn genetic diseases. Last evaluated: 2021-09-29. Review status: criteria provided, single submitter. Criteria: Ambry Variant Classification Scheme 2023. Collection method: clinical testing. Allele origin: germline.

PreventionGenetics, part of Exact Sciences
Classification: Uncertain significance for TTC8-related condition. Last evaluated: 2024-06-21. Review status: no assertion criteria provided. Collection method: clinical testing. Allele origin: germline. Not counted in ClinVar's aggregate classification.
Comment: The TTC8 c.4A>G variant is predicted to result in the amino acid substitution p.Ser2Gly. To our knowledge, this variant has not been reported in the literature. This variant is reported in 0.0058% of alleles in individuals of European (Non-Finnish) descent in gnomAD. At this time, the clinical significance of this variant is uncertain due to the absence of conclusive functional and genetic evidence.